The following is an entry in ClinVar:

ClinVar aggregate classification (germline): Uncertain significance (1 of 4 stars; one submission).

Submission:

Labcorp Genetics (formerly Invitae), Labcorp
Classification: Uncertain significance. Last evaluated: 2024-02-17. Review status: criteria provided, single submitter. Criteria: Invitae Variant Classification Sherloc (09022015). Collection method: clinical testing. Allele origin: germline.
Comment: This sequence change replaces alanine, which is neutral and non-polar, with serine, which is neutral and polar, at codon 140 of the ITGAM protein (p.Ala140Ser). This variant is not present in population databases (gnomAD no frequency). This variant has not been reported in the literature in individuals affected with ITGAM-related conditions. Algorithms developed to predict the effect of missense changes on protein structure and function output the following: SIFT: "Not Available"; PolyPhen-2: "Benign"; Align-GVGD: "Not Available". The serine amino acid residue is found in multiple mammalian species, which suggests that this missense change does not adversely affect protein function. In summary, the available evidence is currently insufficient to determine the role of this variant in disease. Therefore, it has been classified as a Variant of Uncertain Significance.

NM_000632.4(ITGAM):c.418G>T (p.Ala140Ser)

Genes: ITGAM (integrin subunit alpha M; plus strand), LOC126862331 (P300/CBP strongly-dependent group 1 enhancer GRCh37_chr16:31276375-31277574; plus strand). Cytogenetic location: 16p11.2.
Variant type: single nucleotide variant.
Coding change: c.418G>T on transcript NM_000632.4 (MANE Select); coding-DNA position 418, G replaced by T.
Protein change: p.Ala140Ser; replaces alanine 140 with serine.
Molecular consequence: missense variant.
Genome position (GRCh38, 1-based): chr16:31,266,138, G>T. VCF-style: chr16-31266138-G-T. GRCh37 (hg19) VCF-style: chr16-31277459-G-T.
Other names: c.418G>T, p.Ala140Ser (NM_001145808.2); short protein forms A140S.
Identifiers: ClinVar variation 3689364 (VCV003689364.2).